The following is an entry in ClinVar:

ClinVar aggregate classification (germline): Uncertain significance (1 of 4 stars; one submission).

Allele frequency attached by ClinVar (database versions not stated): gnomAD 0.00001; TOPMed 0.00001.
gnomAD v4.1: 3 of 1,613,698 alleles (0.00019%); highest among the groups gnomAD compares: Admixed American, 0.0017%; no homozygotes.

Submission:

Labcorp Genetics (formerly Invitae), Labcorp
Classification: Uncertain significance. Last evaluated: 2022-07-23. Review status: criteria provided, single submitter. Criteria: Invitae Variant Classification Sherloc (09022015). Collection method: clinical testing. Allele origin: germline.
Comment: This sequence change replaces valine, which is neutral and non-polar, with isoleucine, which is neutral and non-polar, at codon 162 of the ALDH3A2 protein (p.Val162Ile). This variant is not present in population databases (gnomAD no frequency). This variant has not been reported in the literature in individuals affected with ALDH3A2-related conditions. Advanced modeling of protein sequence and biophysical properties (such as structural, functional, and spatial information, amino acid conservation, physicochemical variation, residue mobility, and thermodynamic stability) performed at Invitae indicates that this missense variant is not expected to disrupt ALDH3A2 protein function. In summary, the available evidence is currently insufficient to determine the role of this variant in disease. Therefore, it has been classified as a Variant of Uncertain Significance.

NM_000382.3(ALDH3A2):c.484G>A (p.Val162Ile)

Gene: ALDH3A2 (aldehyde dehydrogenase 3 family member A2; plus strand). Cytogenetic location: 17p11.2.
Variant type: single nucleotide variant.
Coding change: c.484G>A on transcript NM_000382.3 (MANE Select); coding-DNA position 484, G replaced by A.
Protein change: p.Val162Ile; replaces valine 162 with isoleucine.
Molecular consequence: missense variant. On other transcripts: 5 prime UTR variant (1).
Genome position (GRCh38, 1-based): chr17:19,656,378, G>A. VCF-style: chr17-19656378-G-A. GRCh37 (hg19) VCF-style: chr17-19559691-G-A.
Other names: c.484G>A, p.Val162Ile (NM_001031806.2, NM_001369136.1, NM_001369137.2 and 3 more transcripts); c.-96G>A (NM_001369148.2); short protein forms V162I.
Identifiers: ClinVar variation 2199475 (VCV002199475.1), dbSNP rs1434488920, ClinGen allele CA398705892.